The following is an entry in ClinVar:

NM_001447.3(FAT2):c.782T>G (p.Val261Gly)

Gene: FAT2 (FAT atypical cadherin 2; minus strand). Cytogenetic location: 5q33.1.
Variant type: single nucleotide variant.
Coding change: c.782T>G on transcript NM_001447.3 (MANE Select); coding-DNA position 782, T replaced by G.
Protein change: p.Val261Gly; replaces valine 261 with glycine.
Molecular consequence: missense variant.
Genome position (GRCh38, 1-based): chr5:151,568,150, A>C on the plus strand (T>G on the coding strand, the complement: FAT2 is on the minus strand). VCF-style: chr5-151568150-A-C. GRCh37 (hg19) VCF-style: chr5-150947711-A-C.
Other names: short protein forms V261G.
Identifiers: ClinVar variation 1970124 (VCV001970124.5), dbSNP rs1758367901, ClinGen allele CA361815461.

ClinVar aggregate classification (germline): Uncertain significance (1 of 4 stars; one submission).

Allele frequency attached by ClinVar (database versions not stated): gnomAD 0.00001.
gnomAD v4.1: 4 of 1,613,952 alleles (0.00025%); highest among the groups gnomAD compares: Non-Finnish European, 0.00034%; 1 homozygote.

Submission:

Labcorp Genetics (formerly Invitae), Labcorp
Classification: Uncertain significance. Last evaluated: 2024-10-29. Review status: criteria provided, single submitter. Criteria: Invitae Variant Classification Sherloc (09022015). Collection method: clinical testing. Allele origin: germline.
Comment: This sequence change replaces valine, which is neutral and non-polar, with glycine, which is neutral and non-polar, at codon 261 of the FAT2 protein (p.Val261Gly). This variant is not present in population databases (gnomAD no frequency). This variant has not been reported in the literature in individuals affected with FAT2-related conditions. ClinVar contains an entry for this variant (Variation ID: 1970124). An algorithm developed to predict the effect of missense changes on protein structure and function (PolyPhen-2) suggests that this variant is likely to be tolerated. In summary, the available evidence is currently insufficient to determine the role of this variant in disease. Therefore, it has been classified as a Variant of Uncertain Significance.